The following is an entry in ClinVar:

NM_000520.6(HEXA):c.134A>C (p.Gln45Pro)

Gene: HEXA (hexosaminidase subunit alpha; minus strand). Cytogenetic location: 15q23.
Variant type: single nucleotide variant.
Coding change: c.134A>C on transcript NM_000520.6 (MANE Select); coding-DNA position 134, A replaced by C.
Protein change: p.Gln45Pro; replaces glutamine 45 with proline.
Molecular consequence: missense variant. On other transcripts: non-coding transcript variant (1).
Genome position (GRCh38, 1-based): chr15:72,375,839, T>G on the plus strand (A>C on the coding strand, the complement: HEXA is on the minus strand). VCF-style: chr15-72375839-T-G. GRCh37 (hg19) VCF-style: chr15-72668180-T-G.
Other names: c.134A>C, p.Gln45Pro (NM_001318825.2); short protein forms Q45P.
Identifiers: ClinVar variation 554858 (VCV000554858.14), dbSNP rs144089645, ClinGen allele CA7645104.

ClinVar aggregate classification (germline): Uncertain significance. Review status: criteria provided, multiple submitters, no conflicts (2 of 4 stars). 6 submissions from 6 submitters: Uncertain significance (4). 2 of the submissions do not count toward it. Last evaluated 2022-10-17.

Conditions:
Tay-Sachs disease (TSD). Also called: GM2 gangliosidosis, type 1; Hexosaminidase alpha-subunit deficiency (variant B); Sphingolipidosis, Tay-Sachs; HEXA DEFICIENCY; Hexosaminidase A Deficiency; HEXA Disorders. Identifiers: Orphanet 845, MedGen C0039373, MONDO:0010100, OMIM 272800.

Allele frequency attached by ClinVar (database versions not stated): gnomAD exomes 0.00008 and 0.00006; ExAC 0.00011; 1000 Genomes Project 0.00020; 1000 Genomes Project 30x 0.00031; gnomAD 0.00001 and 0.00005; TOPMed 0.00002; ESP Exome Variant Server 0.00008.
gnomAD v4.1: 100 of 1,614,236 alleles (0.0062%); highest among the groups gnomAD compares: South Asian, 0.081%; no homozygotes.

Submissions (6):

Labcorp Genetics (formerly Invitae), Labcorp
Classification: Uncertain significance for Tay-Sachs disease. Last evaluated: 2022-10-17. Review status: criteria provided, single submitter. Criteria: Invitae Variant Classification Sherloc (09022015). Collection method: clinical testing. Allele origin: germline.
Comment: This sequence change replaces glutamine, which is neutral and polar, with proline, which is neutral and non-polar, at codon 45 of the HEXA protein (p.Gln45Pro). This variant is present in population databases (rs144089645, gnomAD 0.07%). This variant has not been reported in the literature in individuals affected with HEXA-related conditions. ClinVar contains an entry for this variant (Variation ID: 554858). Algorithms developed to predict the effect of missense changes on protein structure and function (SIFT, PolyPhen-2, Align-GVGD) all suggest that this variant is likely to be tolerated. In summary, the available evidence is currently insufficient to determine the role of this variant in disease. Therefore, it has been classified as a Variant of Uncertain Significance.

Revvity Omics, Revvity
Classification: Uncertain significance for Tay-Sachs disease. Last evaluated: 2021-11-15. Review status: criteria provided, single submitter. Criteria: ACMG Guidelines, 2015. Collection method: clinical testing. Allele origin: germline.

Genome-Nilou Lab
Classification: Uncertain significance for Tay-Sachs disease. Last evaluated: 2021-05-18. Review status: criteria provided, single submitter. Criteria: ACMG Guidelines, 2015. Collection method: clinical testing. Allele origin: germline. Affected: no.

Juno Genomics, Hangzhou Juno Genomics, Inc
Classification: Uncertain significance for Tay-Sachs disease. Review status: criteria provided, single submitter. Criteria: ACMG Guidelines, 2015. Collection method: clinical testing. Allele origin: germline.
Comment: Absent from controls (or at extremely low frequency if recessive) in Genome Aggregation Database.

Natera, Inc.
Classification: Uncertain significance for Tay-Sachs disease. Last evaluated: 2018-05-22. Review status: no assertion criteria provided. Collection method: clinical testing. Allele origin: germline. Not counted in ClinVar's aggregate classification.

Counsyl
Classification: Uncertain significance for Tay-Sachs disease. Last evaluated: 2017-11-14. Review status: no assertion criteria provided. Collection method: clinical testing. Allele origin: unknown. Not counted in ClinVar's aggregate classification.